The following is an entry in ClinVar:

ClinVar aggregate classification (germline): Uncertain significance. Review status: criteria provided, multiple submitters, no conflicts (2 of 4 stars). 2 submissions from 2 submitters: Uncertain significance (2). Last evaluated 2025-12-04.

Allele frequency attached by ClinVar (database versions not stated): TOPMed 0.00001; gnomAD exomes 0.00002; ExAC 0.00004.
gnomAD v4.1: 11 of 1,600,548 alleles (0.00069%); highest among the groups gnomAD compares: Admixed American, 0.019%; no homozygotes.

Submissions (2):

Ambry Genetics
Classification: Uncertain significance. Last evaluated: 2025-12-04. Review status: criteria provided, single submitter. Criteria: Ambry Variant Classification Scheme 2023. Collection method: clinical testing. Allele origin: germline.

Labcorp Genetics (formerly Invitae), Labcorp
Classification: Uncertain significance. Last evaluated: 2025-09-02. Review status: criteria provided, single submitter. Criteria: Invitae Variant Classification Sherloc (09022015). Collection method: clinical testing. Allele origin: germline.
Comment: This sequence change replaces aspartic acid, which is acidic and polar, with glutamic acid, which is acidic and polar, at codon 172 of the MICAL1 protein (p.Asp172Glu). This variant is present in population databases (rs766177194, gnomAD 0.03%). This variant has not been reported in the literature in individuals affected with MICAL1-related conditions. ClinVar contains an entry for this variant (Variation ID: 1928830). An algorithm developed to predict the effect of missense changes on protein structure and function (PolyPhen-2) suggests that this variant is likely to be disruptive. In summary, the available evidence is currently insufficient to determine the role of this variant in disease. Therefore, it has been classified as a Variant of Uncertain Significance.

NM_022765.4(MICAL1):c.459C>G (p.Asp153Glu)

Gene: MICAL1 (microtubule associated monooxygenase, calponin and LIM domain containing 1; minus strand). Cytogenetic location: 6q21.
Variant type: single nucleotide variant.
Coding change: c.459C>G on transcript NM_022765.4 (MANE Select); coding-DNA position 459, C replaced by G.
Protein change: p.Asp153Glu; replaces aspartic acid 153 with glutamic acid.
Molecular consequence: missense variant.
Genome position (GRCh38, 1-based): chr6:109,453,645, G>C on the plus strand (C>G on the coding strand, the complement: MICAL1 is on the minus strand). VCF-style: chr6-109453645-G-C. GRCh37 (hg19) VCF-style: chr6-109774848-G-C.
Other names: c.459C>G, p.Asp153Glu (NM_001159291.2); c.516C>G, p.Asp172Glu (NM_001286613.2); c.459C>G (NM_022765.3); short protein forms D153E, D172E.
Identifiers: ClinVar variation 1928830 (VCV001928830.6), dbSNP rs766177194, ClinGen allele CA3953780.